The following is an entry in ClinVar:

NM_001387850.1(FILIP1L):c.2511C>T (p.Asp837=)

Genes: CMSS1 (cms1 ribosomal small subunit homolog; plus strand), FILIP1L (filamin A interacting protein 1 like; minus strand), LOC105374010 (uncharacterized LOC105374010; plus strand). Cytogenetic location: 3q12.1.
Variant type: single nucleotide variant.
Coding change: c.2511C>T on transcript NM_001387850.1 (MANE Select); coding-DNA position 2511, C replaced by T.
Protein change: p.Asp837=; no amino-acid change (aspartic acid 837 retained).
Molecular consequence: synonymous variant. On other transcripts: intron variant (2).
Genome position (GRCh38, 1-based): chr3:99,849,165, G>A on the plus strand (C>T on the coding strand, the complement: FILIP1L is on the minus strand). VCF-style: chr3-99849165-G-A. GRCh37 (hg19) VCF-style: chr3-99568009-G-A.
Other names: c.2511C>T, p.Asp837= (NM_001042459.3, NM_182909.4); c.1239C>T, p.Asp413= (NM_001282793.2); c.1791C>T, p.Asp597= (NM_001282794.2, NM_001370247.1, NM_001387851.1 and 1 more transcripts); c.64+31122G>A (NM_032359.4); c.606-18560C>T (NM_001387852.1).
Identifiers: ClinVar variation 3052659 (VCV003052659.2), dbSNP rs1273023605, ClinGen allele CA434867395.

ClinVar aggregate classification (germline): Likely benign (0 of 4 stars; one submission).

Conditions:
FILIP1L-related disorder. Also called: FILIP1L-related condition.

Allele frequency attached by ClinVar (database versions not stated): TOPMed 0.00001; gnomAD 0.00002.
gnomAD v4.1: 4 of 1,614,022 alleles (0.00025%); highest among the groups gnomAD compares: Admixed American, 0.005%; no homozygotes.

Submission:

PreventionGenetics, part of Exact Sciences
Classification: Likely benign for FILIP1L-related condition. Last evaluated: 2019-08-22. Review status: no assertion criteria provided. Collection method: clinical testing. Allele origin: germline.
Comment: This variant is classified as likely benign based on ACMG/AMP sequence variant interpretation guidelines (Richards et al. 2015 PMID: 25741868, with internal and published modifications).